The following is an entry in ClinVar:

NM_004415.4(DSP):c.4423del (p.Thr1475fs)

Gene: DSP (desmoplakin; plus strand). Cytogenetic location: 6p24.3.
Variant type: Deletion.
Coding change: c.4423del on transcript NM_004415.4 (MANE Select); coding-DNA position 4423, one base deleted (A; older notation c.4423delA).
Protein change: p.Thr1475fs; shifts the reading frame from threonine 1475.
Molecular consequence: frameshift variant. On other transcripts: intron variant (2).
Genome position (GRCh38, 1-based): chr6:7,580,613, A deleted; the last of 4 consecutive A bases (chr6:7,580,610-7,580,613); deleting any one gives the same sequence. VCF-style (leftmost placement, unchanged base first): chr6-7580609-CA-C. GRCh37 (hg19) VCF-style: chr6-7580842-CA-C.
Other names: c.4423del (NM_004415.2); c.4050+373del (NM_001319034.2); c.3582+841del (NM_001008844.3); short protein forms T1475fs.
Identifiers: ClinVar variation 659795 (VCV000659795.12), dbSNP rs1227662860, ClinGen allele CA828144243.

ClinVar aggregate classification (germline): Pathogenic/Likely pathogenic. Review status: criteria provided, multiple submitters, no conflicts (2 of 4 stars). 4 submissions from 4 submitters: Pathogenic (3); Likely pathogenic (1). Last evaluated 2025-08-18.

Conditions:
Cardiovascular phenotype. Identifiers: MedGen CN230736.
Cardiomyopathy (CMYO). Also called: Cardiomyopathies. Identifiers: Orphanet 167848, MedGen C0878544, MONDO:0004994, HP:0001638. Inheritance: Various modes of inheritance.
Arrhythmogenic cardiomyopathy with wooly hair and keratoderma. Also called: Dilated cardiomyopathy with woolly hair and keratoderma; PALMOPLANTAR KERATODERMA WITH LEFT VENTRICULAR CARDIOMYOPATHY AND WOOLLY HAIR; Arrhythmogenic cardiomyopathy with woolly hair and keratoderma; Carvajal syndrome. Identifiers: Orphanet 65282, MedGen C1854063, MONDO:0011581, OMIM 605676.
Arrhythmogenic right ventricular dysplasia 8 (ARVD8). Also called: Arrhythmogenic Right Ventricular Dysplasia/Cardiomyopathy 8; ARRHYTHMOGENIC RIGHT VENTRICULAR DYSPLASIA, FAMILIAL, 8; ARRHYTHMOGENIC RIGHT VENTRICULAR CARDIOMYOPATHY 8. Identifiers: MedGen C1843896, MONDO:0011831, OMIM 607450.

Submissions (4):

Labcorp Genetics (formerly Invitae), Labcorp
Classification: Pathogenic for Arrhythmogenic cardiomyopathy with wooly hair and keratoderma; Arrhythmogenic right ventricular dysplasia 8. Last evaluated: 2025-08-18. Review status: criteria provided, single submitter. Criteria: Invitae Variant Classification Sherloc (09022015). Collection method: clinical testing. Allele origin: germline.
Comment: This sequence change creates a premature translational stop signal (p.Thr1475Profs*9) in the DSP gene. It is expected to result in an absent or disrupted protein product. Loss-of-function variants in DSP are known to be pathogenic (PMID: 20716751, 24503780, 25227139). This variant is not present in population databases (gnomAD no frequency). This variant has not been reported in the literature in individuals affected with DSP-related conditions. ClinVar contains an entry for this variant (Variation ID: 659795). For these reasons, this variant has been classified as Pathogenic.

GeneDx
Classification: Likely pathogenic. Last evaluated: 2024-07-01. Review status: criteria provided, single submitter. Criteria: GeneDx Variant Classification Process June 2021. Collection method: clinical testing. Allele origin: germline. Affected: yes.
Comment: Frameshift variant predicted to result in protein truncation or nonsense mediated decay in a gene for which loss of function is a known mechanism of disease; Not observed at significant frequency in large population cohorts (gnomAD); Observed in an individual with dilated cardiomyopathy in published literature (PMID: 36580316); This variant is associated with the following publications: (PMID: 36580316)

Color Diagnostics, LLC DBA Color Health
Classification: Pathogenic for Cardiomyopathy. Last evaluated: 2024-04-29. Review status: criteria provided, single submitter. Criteria: ACMG Guidelines, 2015. Collection method: clinical testing. Allele origin: germline.
Comment: This variant deletes 1 nucleotide in exon 23 of the DSP gene, creating a frameshift and premature translation stop signal. This variant is expected to result in an absent or non-functional protein product. To our knowledge, this variant has not been reported in individuals affected with DSP-related disorders in the literature. This variant has not been identified in the general population by the Genome Aggregation Database (gnomAD). Loss of DSP function is a known mechanism of disease. Based on the available evidence, this variant is classified as Pathogenic.

Ambry Genetics
Classification: Pathogenic for Cardiovascular phenotype. Last evaluated: 2022-12-23. Review status: criteria provided, single submitter. Criteria: Ambry Variant Classification Scheme 2023. Collection method: clinical testing. Allele origin: germline.
Comment: The c.4423delA pathogenic mutation, located in coding exon 23 of the DSP gene, results from a deletion of one nucleotide at nucleotide position 4423, causing a translational frameshift with a predicted alternate stop codon (p.T1475Pfs*9). This variant is considered to be rare based on population cohorts in the Genome Aggregation Database (gnomAD). Alterations in DSP that result in haploinsufficiency or protein truncation have been reported in patients with arrhythmogenic right ventricular cardiomyopathy (ARVC) and dilated cardiomyopathy (DCM) (Fressart V et al. Europace. 2010;12(6):861-8; Elliott P et al. Circ Cardiovasc Genet. 2010;3(4):314-22; Quarta G et al. Circulation. 2011;123(23):2701-9; Garcia-Pavia P et al. Heart. 2011;97(21):1744-52; Rasmussen TB et al. Clin Genet. 2013;84(1):20-30; Pugh TJ et al. Genet Med. 2014;16(8):601-8). This alteration is expected to result in loss of function by premature protein truncation or nonsense-mediated mRNA decay. Based on the supporting evidence, this alteration is interpreted as a disease-causing mutation.

Literature cited by the submitters: PubMed 20716751 (cited by Labcorp Genetics (formerly Invitae), Labcorp); PubMed 24503780 (cited by Labcorp Genetics (formerly Invitae), Labcorp); PubMed 25227139 (cited by Labcorp Genetics (formerly Invitae), Labcorp).